The following is an entry in ClinVar:

NM_000553.6(WRN):c.1384T>G (p.Ser462Ala)

Gene: WRN (WRN RecQ like helicase; plus strand). Cytogenetic location: 8p12.
Variant type: single nucleotide variant.
Coding change: c.1384T>G on transcript NM_000553.6 (MANE Select); coding-DNA position 1384, T replaced by G.
Protein change: p.Ser462Ala; replaces serine 462 with alanine.
Molecular consequence: missense variant.
Genome position (GRCh38, 1-based): chr8:31,085,199, T>G. VCF-style: chr8-31085199-T-G. GRCh37 (hg19) VCF-style: chr8-30942715-T-G.
Other names: short protein forms S462A.
Identifiers: ClinVar variation 1359111 (VCV001359111.6), dbSNP rs1813482200, ClinGen allele CA370923764.

ClinVar aggregate classification (germline): Uncertain significance (1 of 4 stars; one submission).

Conditions:
Werner syndrome (WRN). Identifiers: Orphanet 902, MedGen C0043119, MONDO:0010196, OMIM 277700.

Submission:

Labcorp Genetics (formerly Invitae), Labcorp
Classification: Uncertain significance for Werner syndrome. Last evaluated: 2020-12-23. Review status: criteria provided, single submitter. Criteria: Invitae Variant Classification Sherloc (09022015). Collection method: clinical testing. Allele origin: germline.
Comment: In summary, the available evidence is currently insufficient to determine the role of this variant in disease. Therefore, it has been classified as a Variant of Uncertain Significance. Algorithms developed to predict the effect of missense changes on protein structure and function are either unavailable or do not agree on the potential impact of this missense change (SIFT: "Not Available"; PolyPhen-2: "Possibly Damaging"; Align-GVGD: "Not Available"). This variant has not been reported in the literature in individuals with WRN-related conditions. This variant is not present in population databases (ExAC no frequency). This sequence change replaces serine with alanine at codon 462 of the WRN protein (p.Ser462Ala). The serine residue is highly conserved and there is a moderate physicochemical difference between serine and alanine.